The following is an entry in ClinVar:

ClinVar aggregate classification (germline): Uncertain significance. Review status: criteria provided, multiple submitters, no conflicts (2 of 4 stars). 2 submissions from 2 submitters: Uncertain significance (2). Last evaluated 2021-02-14.

Submissions (2):

Labcorp Genetics (formerly Invitae), Labcorp
Classification: Uncertain significance. Last evaluated: 2021-02-14. Review status: criteria provided, single submitter. Criteria: Invitae Variant Classification Sherloc (09022015). Collection method: clinical testing. Allele origin: germline.
Comment: This variant has not been reported in the literature in individuals with HECW2-related conditions. In summary, the available evidence is currently insufficient to determine the role of this variant in disease. Therefore, it has been classified as a Variant of Uncertain Significance. Advanced modeling of protein sequence and biophysical properties (such as structural, functional, and spatial information, amino acid conservation, physicochemical variation, residue mobility, and thermodynamic stability) performed at Invitae indicates that this missense variant is not expected to disrupt HECW2 protein function. This variant is not present in population databases (ExAC no frequency). This sequence change replaces leucine with isoleucine at codon 348 of the HECW2 protein (p.Leu348Ile). The leucine residue is moderately conserved and there is a small physicochemical difference between leucine and isoleucine.

GeneDx
Classification: Uncertain significance. Last evaluated: 2019-04-01. Review status: criteria provided, single submitter. Criteria: GeneDx Variant Classification Process June 2021. Collection method: clinical testing. Allele origin: germline. Affected: yes.
Comment: Not observed in large population cohorts (Lek et al., 2016); In silico analysis, which includes protein predictors and evolutionary conservation, supports that this variant does not alter protein structure/function; Has not been previously published as pathogenic or benign to our knowledge

NM_001348768.2(HECW2):c.1042T>A (p.Leu348Ile)

Gene: HECW2 (HECT, C2 and WW domain containing E3 ubiquitin protein ligase 2; minus strand). Cytogenetic location: 2q32.3.
Variant type: single nucleotide variant.
Coding change: c.1042T>A on transcript NM_001348768.2 (MANE Select); coding-DNA position 1042, T replaced by A.
Protein change: p.Leu348Ile; replaces leucine 348 with isoleucine.
Molecular consequence: missense variant. On other transcripts: 5 prime UTR variant (1).
Genome position (GRCh38, 1-based): chr2:196,319,848, A>T on the plus strand (T>A on the coding strand, the complement: HECW2 is on the minus strand). VCF-style: chr2-196319848-A-T. GRCh37 (hg19) VCF-style: chr2-197184572-A-T.
Other names: c.-27T>A (NM_001304840.3); c.1042T>A, p.Leu348Ile (NM_020760.4); short protein forms L348I.
Identifiers: ClinVar variation 1308396 (VCV001308396.9), dbSNP rs2105760211, ClinGen allele CA349967333.
Genomic context (GRCh38, chr2:196,319,848, plus strand): 5'-AGCACACCTGGCTGTCGTGATGGCTCCCTGGCATGTCCTCGTCATCGGAAGGGCTACCTA[A>T]GTCTCCATTCACAGAATTGACTCCAAGTATTGTGCCAACAGCTTCTGGAGAGGCATCTGA-3'
Protein context (NP_001335697.1, residues 338-358): ILGVNSVNGD[Leu348Ile]GSPSDDEDMP